The following is an entry in ClinVar:

NM_001372.4(DNAH9):c.7063C>T (p.Leu2355Phe)

Gene: DNAH9 (dynein axonemal heavy chain 9; plus strand). Cytogenetic location: 17p12.
Variant type: single nucleotide variant.
Coding change: c.7063C>T on transcript NM_001372.4 (MANE Select); coding-DNA position 7063, C replaced by T.
Protein change: p.Leu2355Phe; replaces leucine 2355 with phenylalanine.
Molecular consequence: missense variant.
Genome position (GRCh38, 1-based): chr17:11,763,507, C>T. VCF-style: chr17-11763507-C-T. GRCh37 (hg19) VCF-style: chr17-11666824-C-T.
Other names: short protein forms L2355F.
Identifiers: ClinVar variation 2368458 (VCV002368458.6), dbSNP rs762036147, ClinGen allele CA8396503.
Genomic context (GRCh38, chr17:11,763,507, plus strand): 5'-AAGATCATTCCCATCCCAGAGCAGAGCATGGTTCAGATGGTGTGTCACCTTCTGGAATGT[C>T]TCCTGACCACGGAGGACATCCCTGCAGACTGCCCTAAGGAAATTTATGAGCATTATTTTG-3'
Protein context (NP_001363.2, residues 2345-2365): VQMVCHLLEC[Leu2355Phe]LTTEDIPADC

ClinVar aggregate classification (germline): Uncertain significance. Review status: criteria provided, multiple submitters, no conflicts (2 of 4 stars). 4 submissions from 4 submitters: Uncertain significance (4). Last evaluated 2024-09-03.

Conditions:
Ciliary dyskinesia, primary, 40. Also called: CILIARY DYSKINESIA, PRIMARY, 40, WITH OR WITHOUT SITUS INVERSUS. Identifiers: MedGen C4749028, MONDO:0032664, OMIM 618300.
Inborn genetic diseases. Identifiers: MedGen C0950123, MeSH D030342.

Allele frequency attached by ClinVar (database versions not stated): ExAC 0.00001; gnomAD 0.00001.

Submissions (4):

Labcorp Genetics (formerly Invitae), Labcorp
Classification: Uncertain significance. Last evaluated: 2024-09-03. Review status: criteria provided, single submitter. Criteria: Invitae Variant Classification Sherloc (09022015). Collection method: clinical testing. Allele origin: germline.
Comment: This sequence change replaces leucine, which is neutral and non-polar, with phenylalanine, which is neutral and non-polar, at codon 2355 of the DNAH9 protein (p.Leu2355Phe). This variant is present in population databases (rs762036147, gnomAD 0.007%). This variant has not been reported in the literature in individuals affected with DNAH9-related conditions. ClinVar contains an entry for this variant (Variation ID: 2368458). An algorithm developed to predict the effect of missense changes on protein structure and function (PolyPhen-2) suggests that this variant is likely to be tolerated. In summary, the available evidence is currently insufficient to determine the role of this variant in disease. Therefore, it has been classified as a Variant of Uncertain Significance.

Fulgent Genetics
Classification: Uncertain significance for Ciliary dyskinesia, primary, 40. Last evaluated: 2024-04-16. Review status: criteria provided, single submitter. Criteria: ACMG Guidelines, 2015. Collection method: clinical testing. Allele origin: germline.

Blueprint Genetics
Classification: Uncertain significance. Last evaluated: 2023-11-23. Review status: criteria provided, single submitter. Criteria: ACMG Guidelines, 2015. Collection method: clinical testing. Allele origin: germline.

Ambry Genetics
Classification: Uncertain significance for Inborn genetic diseases. Last evaluated: 2021-09-01. Review status: criteria provided, single submitter. Criteria: Ambry Variant Classification Scheme 2023. Collection method: clinical testing. Allele origin: germline.